The following is an entry in ClinVar:

ClinVar aggregate classification (germline): Uncertain significance (1 of 4 stars; one submission).

Conditions:
Arrhythmogenic right ventricular dysplasia 9 (ARVD9). Also called: Arrhythmogenic Right Ventricular Dysplasia/Cardiomyopathy 9; ARRHYTHMOGENIC RIGHT VENTRICULAR DYSPLASIA, FAMILIAL, 9. Identifiers: MedGen C1836906, MONDO:0012180, OMIM 609040.

Submission:

Labcorp Genetics (formerly Invitae), Labcorp
Classification: Uncertain significance for Arrhythmogenic right ventricular dysplasia 9. Last evaluated: 2024-02-14. Review status: criteria provided, single submitter. Criteria: Invitae Variant Classification Sherloc (09022015). Collection method: clinical testing. Allele origin: germline.
Comment: This sequence change replaces glutamic acid, which is acidic and polar, with valine, which is neutral and non-polar, at codon 657 of the PKP2 protein (p.Glu657Val). This variant is not present in population databases (gnomAD no frequency). This variant has not been reported in the literature in individuals affected with PKP2-related conditions. An algorithm developed to predict the effect of missense changes on protein structure and function (PolyPhen-2) suggests that this variant is likely to be tolerated. Algorithms developed to predict the effect of sequence changes on RNA splicing suggest that this variant may disrupt the consensus splice site. In summary, the available evidence is currently insufficient to determine the role of this variant in disease. Therefore, it has been classified as a Variant of Uncertain Significance.

NM_001005242.3(PKP2):c.1838A>T (p.Glu613Val)

Gene: PKP2 (plakophilin 2; minus strand). Cytogenetic location: 12p11.21.
Variant type: single nucleotide variant.
Coding change: c.1838A>T on transcript NM_001005242.3 (MANE Select); coding-DNA position 1838, A replaced by T.
Protein change: p.Glu613Val; replaces glutamic acid 613 with valine.
Molecular consequence: missense variant. On other transcripts: intron variant (1).
Genome position (GRCh38, 1-based): chr12:32,822,468, T>A on the plus strand (A>T on the coding strand, the complement: PKP2 is on the minus strand). VCF-style: chr12-32822468-T-A. GRCh37 (hg19) VCF-style: chr12-32975402-T-A.
Other names: c.1675-939A>T (NM_001407156.1); c.1838A>T, p.Glu613Val (NM_001407155.1, NM_001407161.1); c.1970A>T, p.Glu657Val (NM_001407157.1, NM_004572.4); c.1511A>T, p.Glu504Val (NM_001407158.1, NM_001407159.1, NM_001407160.1 and 1 more transcripts); short protein forms E657V, E504V, E613V.
Identifiers: ClinVar variation 3639235 (VCV003639235.2).